The following is an entry in ClinVar:

NM_000143.4(FH):c.202T>C (p.Tyr68His)

Gene: FH (fumarate hydratase; minus strand). Cytogenetic location: 1q43.
Variant type: single nucleotide variant.
Coding change: c.202T>C on transcript NM_000143.4 (MANE Select); coding-DNA position 202, T replaced by C.
Protein change: p.Tyr68His; replaces tyrosine 68 with histidine.
Molecular consequence: missense variant.
Genome position (GRCh38, 1-based): chr1:241,517,247, A>G on the plus strand (T>C on the coding strand, the complement: FH is on the minus strand). VCF-style: chr1-241517247-A-G. GRCh37 (hg19) VCF-style: chr1-241680547-A-G.
Other names: short protein forms Y68H.
Identifiers: ClinVar variation 985649 (VCV000985649.3), dbSNP rs1189016440, ClinGen allele CA345441843.

ClinVar aggregate classification (germline): Uncertain significance (1 of 4 stars; one submission).

Conditions:
Hereditary cancer-predisposing syndrome. Also called: Hereditary Cancer Syndrome; Neoplastic Syndromes, Hereditary; Tumor predisposition; Hereditary neoplastic syndrome. Identifiers: Orphanet 140162, MedGen C0027672, MeSH D009386, MONDO:0015356.

Allele frequency attached by ClinVar (database versions not stated): gnomAD exomes below 0.00001; TOPMed below 0.00001.
gnomAD v4.1: 1 of 1,614,138 alleles (0.000062%); highest among the groups gnomAD compares: Admixed American, 0.0017%; no homozygotes.

Submission:

Ambry Genetics
Classification: Uncertain significance for Hereditary cancer-predisposing syndrome. Last evaluated: 2024-07-15. Review status: criteria provided, single submitter. Criteria: Ambry Variant Classification Scheme 2023. Collection method: clinical testing. Allele origin: germline.
Comment: The p.Y68H variant (also known as c.202T>C), located in coding exon 2 of the FH gene, results from a T to C substitution at nucleotide position 202. The tyrosine at codon 68 is replaced by histidine, an amino acid with similar properties. This amino acid position is highly conserved in available vertebrate species. In addition, this alteration is predicted to be deleterious by in silico analysis. Based on the available evidence, the clinical significance of this variant remains unclear.